The following is an entry in ClinVar:

ClinVar aggregate classification (germline): Uncertain significance (1 of 4 stars; one submission).

Conditions:
Deficiency of alpha-mannosidase (MANSA). Also called: Mannosidosis, alpha-, types I and II; LYSOSOMAL ALPHA-D-MANNOSIDASE DEFICIENCY; Alpha-Mannosidosis. Identifiers: Orphanet 61, MedGen C0024748, MONDO:0009561, OMIM 248500.

Allele frequency attached by ClinVar (database versions not stated): gnomAD exomes 0.00001; TOPMed 0.00001; gnomAD 0.00002.
gnomAD v4.1: 14 of 1,614,038 alleles (0.00087%); highest among the groups gnomAD compares: African/African-American, 0.0053%; no homozygotes.

Submission:

Labcorp Genetics (formerly Invitae), Labcorp
Classification: Uncertain significance for Deficiency of alpha-mannosidase. Last evaluated: 2022-09-07. Review status: criteria provided, single submitter. Criteria: Invitae Variant Classification Sherloc (09022015). Collection method: clinical testing. Allele origin: germline.
Comment: This sequence change replaces arginine, which is basic and polar, with histidine, which is basic and polar, at codon 220 of the MAN2B1 protein (p.Arg220His). This variant is not present in population databases (gnomAD no frequency). This variant has not been reported in the literature in individuals affected with MAN2B1-related conditions. ClinVar contains an entry for this variant (Variation ID: 1364819). Algorithms developed to predict the effect of missense changes on protein structure and function (SIFT, PolyPhen-2, Align-GVGD) all suggest that this variant is likely to be disruptive. Experimental studies are conflicting or provide insufficient evidence to determine the effect of this variant on MAN2B1 function (PMID: 15035660). In summary, the available evidence is currently insufficient to determine the role of this variant in disease. Therefore, it has been classified as a Variant of Uncertain Significance.

Literature cited by the submitters: PubMed 15035660.

NM_000528.4(MAN2B1):c.659G>A (p.Arg220His)

Gene: MAN2B1 (mannosidase alpha class 2B member 1; minus strand). Cytogenetic location: 19p13.13.
Variant type: single nucleotide variant.
Coding change: c.659G>A on transcript NM_000528.4 (MANE Select); coding-DNA position 659, G replaced by A.
Protein change: p.Arg220His; replaces arginine 220 with histidine.
Molecular consequence: missense variant.
Genome position (GRCh38, 1-based): chr19:12,663,807, C>T on the plus strand (G>A on the coding strand, the complement: MAN2B1 is on the minus strand). VCF-style: chr19-12663807-C-T. GRCh37 (hg19) VCF-style: chr19-12774621-C-T.
Other names: c.659G>A, p.Arg220His (NM_001173498.2); short protein forms R220H.
Identifiers: ClinVar variation 1364819 (VCV001364819.3), dbSNP rs1310537291, ClinGen allele CA404253010.